The following is an entry in ClinVar:

NM_003238.6(TGFB2):c.643+3T>C

Gene: TGFB2 (transforming growth factor beta 2; plus strand). Cytogenetic location: 1q41.
Variant type: single nucleotide variant.
Coding change: c.643+3T>C on transcript NM_003238.6 (MANE Select); 3 bases into the intron after coding-DNA position 643, T replaced by C.
Molecular consequence: intron variant.
Genome position (GRCh38, 1-based): chr1:218,434,217, T>C. VCF-style: chr1-218434217-T-C. GRCh37 (hg19) VCF-style: chr1-218607559-T-C.
Other names: c.727+3T>C (NM_001135599.4).
Identifiers: ClinVar variation 4996741 (VCV004996741.1).

ClinVar aggregate classification (germline): Likely benign (1 of 4 stars; one submission).

Conditions:
TGFB2-related disorder. Also called: TGFB2-related condition.

Submission:

PreventionGenetics, part of Exact Sciences
Classification: Likely benign for TGFB2-related condition. Last evaluated: 2025-02-26. Review status: criteria provided, single submitter. Criteria: ACMG Guidelines, 2015. Collection method: clinical testing. Allele origin: germline.
Comment: This variant is classified as likely benign based on ACMG/AMP sequence variant interpretation guidelines (Richards et al. 2015 PMID: 25741868, with internal and published modifications).